The following is an entry in ClinVar:

ClinVar aggregate classification (germline): Conflicting classifications of pathogenicity. Review status: criteria provided, conflicting classifications (1 of 4 stars). 4 submissions from 4 submitters: Uncertain significance (3); Likely benign (1). Last evaluated 2025-07-01.

Conditions:
Townes syndrome (TBS). Also called: Townes-Brocks syndrome. Identifiers: Orphanet 857, MedGen C0265246, MeSH C536974, MONDO:0007142.
SALL1-related disorder. Also called: SALL1-related condition.
Inborn genetic diseases. Identifiers: MedGen C0950123, MeSH D030342.

Allele frequency attached by ClinVar (database versions not stated): gnomAD exomes 0.00002 and 0.00003; TOPMed 0.00003; ExAC 0.00004.

Submissions (4):

CeGaT Center for Human Genetics Tuebingen
Classification: Likely benign. Last evaluated: 2025-07-01. Review status: criteria provided, single submitter. Criteria: CeGaT Center For Human Genetics Tuebingen Variant Classification Criteria Version 2. Collection method: clinical testing. Allele origin: germline. Affected: yes. Observed: 1 variant allele.
Comment: SALL1: BP4, BP5, BS2

PreventionGenetics, part of Exact Sciences
Classification: Uncertain significance for SALL1-related condition. Last evaluated: 2023-09-20. Review status: criteria provided, single submitter. Criteria: ACMG Guidelines, 2015. Collection method: clinical testing. Allele origin: germline.
Comment: The SALL1 c.3890T>G variant is predicted to result in the amino acid substitution p.Leu1297Arg. To our knowledge, this variant has not been reported in the literature. This variant is reported in 0.0062% of alleles in individuals of European (non-Finnish) descent in gnomAD, including 1 homozygous individual. At this time, the clinical significance of this variant is uncertain due to the absence of conclusive functional and genetic evidence.

Ambry Genetics
Classification: Uncertain significance for Inborn genetic diseases. Last evaluated: 2022-11-08. Review status: criteria provided, single submitter. Criteria: Ambry Variant Classification Scheme 2023. Collection method: clinical testing. Allele origin: germline.

Labcorp Genetics (formerly Invitae), Labcorp
Classification: Uncertain significance for Townes syndrome. Last evaluated: 2022-02-08. Review status: criteria provided, single submitter. Criteria: Invitae Variant Classification Sherloc (09022015). Collection method: clinical testing. Allele origin: germline.
Comment: In summary, the available evidence is currently insufficient to determine the role of this variant in disease. Therefore, it has been classified as a Variant of Uncertain Significance. Algorithms developed to predict the effect of missense changes on protein structure and function are either unavailable or do not agree on the potential impact of this missense change (SIFT: "Tolerated"; PolyPhen-2: "Probably Damaging"; Align-GVGD: "Class C0"). This variant has not been reported in the literature in individuals affected with SALL1-related conditions. This variant is present in population databases (rs767612617, gnomAD 0.006%), including at least one homozygous and/or hemizygous individual. This sequence change replaces leucine, which is neutral and non-polar, with arginine, which is basic and polar, at codon 1297 of the SALL1 protein (p.Leu1297Arg).

NM_002968.3(SALL1):c.3890T>G (p.Leu1297Arg)

Gene: SALL1 (spalt like transcription factor 1; minus strand). Cytogenetic location: 16q12.1.
Variant type: single nucleotide variant.
Coding change: c.3890T>G on transcript NM_002968.3 (MANE Select); coding-DNA position 3890, T replaced by G.
Protein change: p.Leu1297Arg; replaces leucine 1297 with arginine.
Molecular consequence: missense variant.
Genome position (GRCh38, 1-based): chr16:51,137,197, A>C on the plus strand (T>G on the coding strand, the complement: SALL1 is on the minus strand). VCF-style: chr16-51137197-A-C. GRCh37 (hg19) VCF-style: chr16-51171108-A-C.
Other names: c.3599T>G, p.Leu1200Arg (NM_001127892.2); c.3890T>G (NM_002968.2); short protein forms L1297R, L1200R.
Identifiers: ClinVar variation 1415730 (VCV001415730.16), dbSNP rs767612617, ClinGen allele CA8052811.